The following is an entry in ClinVar:

ClinVar aggregate classification (germline): Uncertain significance. Review status: criteria provided, multiple submitters, no conflicts (2 of 4 stars). 3 submissions from 3 submitters: Uncertain significance (3). Last evaluated 2025-10-15.

Allele frequency attached by ClinVar (database versions not stated): TOPMed 0.00018; gnomAD 0.00009 and 0.00013; gnomAD exomes 0.00016 and 0.00006; 1000 Genomes Project 30x 0.00047.

Submissions (3):

Ambry Genetics
Classification: Uncertain significance. Last evaluated: 2025-10-15. Review status: criteria provided, single submitter. Criteria: Ambry Variant Classification Scheme 2023. Collection method: clinical testing. Allele origin: germline.

Labcorp Genetics (formerly Invitae), Labcorp
Classification: Uncertain significance. Last evaluated: 2022-07-06. Review status: criteria provided, single submitter. Criteria: Invitae Variant Classification Sherloc (09022015). Collection method: clinical testing. Allele origin: germline.
Comment: This sequence change replaces tyrosine, which is neutral and polar, with serine, which is neutral and polar, at codon 54 of the GSC protein (p.Tyr54Ser). The frequency data for this variant in the population databases is considered unreliable, as metrics indicate poor data quality at this position in the gnomAD database. This variant has not been reported in the literature in individuals affected with GSC-related conditions. ClinVar contains an entry for this variant (Variation ID: 1519154). Algorithms developed to predict the effect of missense changes on protein structure and function are either unavailable or do not agree on the potential impact of this missense change (SIFT: "Deleterious"; PolyPhen-2: "Benign"; Align-GVGD: "Class C0"). In summary, the available evidence is currently insufficient to determine the role of this variant in disease. Therefore, it has been classified as a Variant of Uncertain Significance.

Breakthrough Genomics
Classification: Uncertain significance. Review status: criteria provided, single submitter. Criteria: ACMG Guidelines, 2015. Collection method: not provided. Allele origin: germline. Inheritance: Autosomal recessive inheritance. Affected: yes.

NM_173849.3(GSC):c.161A>C (p.Tyr54Ser)

Gene: GSC (goosecoid homeobox; minus strand). Cytogenetic location: 14q32.13.
Variant type: single nucleotide variant.
Coding change: c.161A>C on transcript NM_173849.3 (MANE Select); coding-DNA position 161, A replaced by C.
Protein change: p.Tyr54Ser; replaces tyrosine 54 with serine.
Molecular consequence: missense variant.
Genome position (GRCh38, 1-based): chr14:94,769,855, T>G on the plus strand (A>C on the coding strand, the complement: GSC is on the minus strand). VCF-style: chr14-94769855-T-G. GRCh37 (hg19) VCF-style: chr14-95236192-T-G.
Other names: c.161A>C (NM_173849.2); short protein forms Y54S.
Identifiers: ClinVar variation 1519154 (VCV001519154.6), dbSNP rs755567297, ClinGen allele CA7330540.
Genomic context (GRCh38, chr14:94,769,855, plus strand): 5'-CTGACCGCGGCCGGGAGGCCCGCGCCGCCGGGGGCCACGGGGCGCGGGTAGAAGGCGCCA[T>G]AGTCCGAGGAGGCGCCGCCGCTGGCGCCGTAGAGCGAGTCCCCGTGCAGGGCCGGGAAGA-3'
Protein context (NP_776248.1, residues 44-64): YGASGGASSD[Tyr54Ser]GAFYPRPVAP